The following is an entry in ClinVar:

ClinVar aggregate classification (germline): Benign/Likely benign. Review status: criteria provided, multiple submitters, no conflicts (2 of 4 stars). 3 submissions from 3 submitters: Benign (2); Likely benign (1). Last evaluated 2025-09-01.

Allele frequency attached by ClinVar (database versions not stated): ExAC 0.00828; gnomAD 0.00903 and 0.00932; ESP Exome Variant Server 0.00709; gnomAD exomes 0.00827 and 0.00911; 1000 Genomes Project 30x 0.00312; 1000 Genomes Project 0.00379; TOPMed 0.00672.
gnomAD v4.1: 14,509 of 1,601,996 alleles (0.91%); highest among the groups gnomAD compares: Non-Finnish European, 0.97%; 87 homozygotes.

Submissions (3):

CeGaT Center for Human Genetics Tuebingen
Classification: Likely benign. Last evaluated: 2025-09-01. Review status: criteria provided, single submitter. Criteria: CeGaT Center For Human Genetics Tuebingen Variant Classification Criteria Version 2. Collection method: clinical testing. Allele origin: germline. Affected: yes. Observed: 1 variant allele.
Comment: ARMC5: BP4, BP7, BS2

Labcorp Genetics (formerly Invitae), Labcorp
Classification: Benign. Last evaluated: 2019-12-31. Review status: criteria provided, single submitter. Criteria: Invitae Variant Classification Sherloc (09022015). Collection method: clinical testing. Allele origin: germline.

Breakthrough Genomics
Classification: Benign. Review status: criteria provided, single submitter. Criteria: ACMG Guidelines, 2015. Collection method: not provided. Allele origin: germline. Inheritance: Autosomal dominant inheritance. Affected: yes.

NM_001105247.2(ARMC5):c.438G>A (p.Arg146=)

Genes: ARMC5 (armadillo repeat containing 5; plus strand), LOC130058906 (ATAC-STARR-seq lymphoblastoid silent region 7419; plus strand). Cytogenetic location: 16p11.2.
Variant type: single nucleotide variant.
Coding change: c.438G>A on transcript NM_001105247.2 (MANE Select); coding-DNA position 438, G replaced by A.
Protein change: p.Arg146=; no amino-acid change (arginine 146 retained).
Molecular consequence: synonymous variant.
Genome position (GRCh38, 1-based): chr16:31,459,962, G>A. VCF-style: chr16-31459962-G-A. GRCh37 (hg19) VCF-style: chr16-31471283-G-A.
Other names: c.723G>A, p.Arg241= (NM_001288767.2); c.534G>A, p.Arg178= (NM_001301820.1); c.438G>A, p.Arg146= (NM_024742.2).
Identifiers: ClinVar variation 783738 (VCV000783738.12), dbSNP rs201280100, ClinGen allele CA8029445.
Genomic context (GRCh38, chr16:31,459,962, plus strand): 5'-CAAGACGCTGGACTTGGCGCTCAGCATCCTAGCCGATTGCTGTACGGAAGGGGCGTGCCG[G>A]ACCGAAGTGCGCAGACTCGGAGGCATACTCCCTTTGGGTAAGTGCTCCGCCCCCGTTTCC-3'
Protein context (NP_001098717.1, residues 136-156): LADCCTEGAC[Arg146=]TEVRRLGGIL